The following is an entry in ClinVar:

NM_004998.4(MYO1E):c.2627+8C>T

Gene: MYO1E (myosin IE; minus strand). Cytogenetic location: 15q22.2.
Variant type: single nucleotide variant.
Coding change: c.2627+8C>T on transcript NM_004998.4 (MANE Select); 8 bases into the intron after coding-DNA position 2627, C replaced by T.
Molecular consequence: intron variant.
Genome position (GRCh38, 1-based): chr15:59,163,149, G>A on the plus strand (C>T on the coding strand, the complement: MYO1E is on the minus strand). VCF-style: chr15-59163149-G-A. GRCh37 (hg19) VCF-style: chr15-59455348-G-A.
Other names: p.?.
Identifiers: ClinVar variation 1167068 (VCV001167068.11), dbSNP rs12232341, ClinGen allele CA7589178.
Genomic context (GRCh38, chr15:59,163,149, plus strand): 5'-TCGCAGGGGTGCGATCAAGACCCCTTTTTAGCTACACGCAGAAGTCTGGGTCCCAGATCC[G>A]GACTTACGTATTGCTGAATTTCAGAGGTAGTTGCTTCTGGGTCTTCTCCTCGTAACGCTT-3'

ClinVar aggregate classification (germline): Benign/Likely benign. Review status: criteria provided, multiple submitters, no conflicts (2 of 4 stars). 3 submissions from 3 submitters: Benign (2); Likely benign (1). Last evaluated 2025-12-11.

Conditions:
Focal segmental glomerulosclerosis 6 (FSGS6). Identifiers: Orphanet 656, MedGen C3279905, MONDO:0013589, OMIM 614131.

Allele frequency attached by ClinVar (database versions not stated): ESP Exome Variant Server 0.00054; gnomAD 0.00074 and 0.00112; TOPMed 0.00130; gnomAD exomes 0.00227; ExAC 0.00247; 1000 Genomes Project 30x 0.00484; 1000 Genomes Project 0.00559.
gnomAD v4.1: 1,383 of 1,613,788 alleles (0.086%); highest among the groups gnomAD compares: East Asian, 2%; 12 homozygotes.

Submissions (3):

Labcorp Genetics (formerly Invitae), Labcorp
Classification: Benign. Last evaluated: 2025-12-11. Review status: criteria provided, single submitter. Criteria: Invitae Variant Classification Sherloc (09022015). Collection method: clinical testing. Allele origin: germline.

Mayo Clinic Laboratories, Mayo Clinic
Classification: Likely benign. Last evaluated: 2025-10-14. Review status: criteria provided, single submitter. Criteria: ACMG Guidelines, 2015. Collection method: clinical testing. Allele origin: germline. Observed: 1 variant allele.
Comment: BS1, BP7

Fulgent Genetics
Classification: Benign for Focal segmental glomerulosclerosis 6. Last evaluated: 2021-09-13. Review status: criteria provided, single submitter. Criteria: ACMG Guidelines, 2015. Collection method: clinical testing. Allele origin: unknown.